The following is an entry in ClinVar:

ClinVar aggregate classification (germline): Uncertain significance (1 of 4 stars; one submission).

gnomAD v4.1: 2 of 1,613,964 alleles (0.00012%); highest among the groups gnomAD compares: Non-Finnish European, 0.000085%; no homozygotes.

Submission:

CeGaT Center for Human Genetics Tuebingen
Classification: Uncertain significance. Last evaluated: 2025-11-01. Review status: criteria provided, single submitter. Criteria: CeGaT Center For Human Genetics Tuebingen Variant Classification Criteria Version 2. Collection method: clinical testing. Allele origin: germline. Affected: yes. Observed: 2 variant alleles.
Comment: GTPBP3: PM2, PP4

NM_032620.4(GTPBP3):c.469G>A (p.Glu157Lys)

Gene: GTPBP3 (GTP binding protein 3, mitochondrial; plus strand). Cytogenetic location: 19p13.11.
Variant type: single nucleotide variant.
Coding change: c.469G>A on transcript NM_032620.4 (MANE Select); coding-DNA position 469, G replaced by A.
Protein change: p.Glu157Lys; replaces glutamic acid 157 with lysine.
Molecular consequence: missense variant.
Genome position (GRCh38, 1-based): chr19:17,338,619, G>A. VCF-style: chr19-17338619-G-A. GRCh37 (hg19) VCF-style: chr19-17449428-G-A.
Other names: c.469G>A, p.Glu157Lys (NM_133644.4, NM_001128855.3); c.535G>A, p.Glu179Lys (NM_001195422.1); short protein forms E157K, E179K.
Identifiers: ClinVar variation 4085664 (VCV004085664.8).
Genomic context (GRCh38, chr19:17,338,619, plus strand): 5'-CCGGCGGAGGCAGGCGAGTTCACCAGACGGGCGTTCGCCAATGGGAAGCTGAACCTGACC[G>A]AAGTGGAGGGGCTGGCGGACCTTATCCACGCGGAAACAGAGGCGCAGCGGCGGCAGGCCC-3'
Protein context (NP_116009.2, residues 147-167): AFANGKLNLT[Glu157Lys]VEGLADLIHA